The following is an entry in ClinVar:

NM_001387263.1(PATL2):c.953T>C (p.Ile318Thr)

Gene: PATL2 (PAT1 homolog 2; minus strand). Cytogenetic location: 15q21.1.
Variant type: single nucleotide variant.
Coding change: c.953T>C on transcript NM_001387263.1 (MANE Select); coding-DNA position 953, T replaced by C.
Protein change: p.Ile318Thr; replaces isoleucine 318 with threonine.
Molecular consequence: missense variant.
Genome position (GRCh38, 1-based): chr15:44,669,391, A>G on the plus strand (T>C on the coding strand, the complement: PATL2 is on the minus strand). VCF-style: chr15-44669391-A-G. GRCh37 (hg19) VCF-style: chr15-44961589-A-G.
Other names: NM_001145112.1:c.953T>C(p.Ile318Thr); c.953T>C, p.Ile318Thr (NM_001145112.2, NM_001387261.1, NM_001387262.1); c.386T>C, p.Ile129Thr (NM_001330283.2); c.860T>C, p.Ile287Thr (NM_001387260.1, NM_001387264.1); short protein forms I318T, I129T, I287T.
Identifiers: ClinVar variation 444051 (VCV000444051.2), dbSNP rs1011539285, ClinGen allele CA270118879.

ClinVar aggregate classification (germline): Uncertain significance. Review status: criteria provided, single submitter (1 of 4 stars). 2 submissions from 2 submitters: Uncertain significance (1). 1 of the submissions does not count toward it. Last evaluated 2018-04-16.

Conditions:
Oocyte maturation defect 4. Also called: OOCYTE/ZYGOTE/EMBRYO MATURATION ARREST 4. Identifiers: MedGen C4540284, MONDO:0021575, OMIM 617743.

Allele frequency attached by ClinVar (database versions not stated): gnomAD exomes below 0.00001 and 0.00001.
gnomAD v4.1: 1 of 1,551,052 alleles (0.000064%); highest among the groups gnomAD compares: South Asian, 0.0012%; no homozygotes.

Submissions (2):

SIB Swiss Institute of Bioinformatics
Classification: Uncertain significance for Oocyte maturation defect 4. Last evaluated: 2018-04-16. Review status: criteria provided, single submitter. Criteria: ACMG Guidelines, 2015. Collection method: curation. Allele origin: germline.
Comment: This variant is interpreted as a Uncertain Significance, for Oocyte maturation defect 4, Autosomal Recessive inheritance. The following ACMG Tag(s) were applied: PM2 => Absent from controls (or at extremely low frequency if recessive) in Exome Sequencing Project, 1000 Genomes Project, or Exome Aggregation Consortium. PS3-Moderate => PS3 downgraded in strength to Moderate (PMID:28965849).

OMIM
Classification: Pathogenic for OOCYTE/ZYGOTE/EMBRYO MATURATION ARREST 4. Last evaluated: 2023-04-10. Review status: no assertion criteria provided. Collection method: literature only. Allele origin: germline. Not counted in ClinVar's aggregate classification.

Literature cited by the submitters: PubMed 28965849 (cited by SIB Swiss Institute of Bioinformatics and OMIM).